The following is an entry in ClinVar:

ClinVar aggregate classification (germline): Uncertain significance. Review status: criteria provided, multiple submitters, no conflicts (2 of 4 stars). 3 submissions from 3 submitters: Uncertain significance (3). Last evaluated 2026-04-13.

Conditions:
Autosomal recessive Alport syndrome (ATS2). Also called: COL4A3-Related Nephropathy; COL4A4 Alport Syndrome and Thin Basement Membrane Nephropathy; ALPORT SYNDROME 2, AUTOSOMAL RECESSIVE; Alport syndrome type 2. Identifiers: Orphanet 63, Orphanet 88919, MedGen C4746745, MONDO:0008762, OMIM 203780.
Hematuria, benign familial, 1 (BFH1). Also called: THIN MEMBRANE NEPHROPATHY. Identifiers: MedGen CN376803, MONDO:0007709, OMIM 141200.
Alport syndrome. Also called: Hemorrhagic familial nephritis; Hemorrhagic hereditary nephritis; Congenital hereditary hematuria. Identifiers: Orphanet 63, MedGen C1567741, MONDO:0018965.

Submissions (3):

Myriad Genetics, Inc.
Classification: Uncertain significance for Alport syndrome. Last evaluated: 2026-04-13. Review status: criteria provided, single submitter. Criteria: Myriad Autosomal Dominant, Autosomal Recessive and X-Linked Classification Criteria (2023). Collection method: clinical testing. Allele origin: unknown.
Comment: NM_000092.4(COL4A4):c.104A>G(Y35C) is a missense variant classified as a variant of uncertain significance in the context of Alport syndrome, COL4A4-related. Y35C has been observed in a case with relevant disease (PMID: 16338941). Relevant functional assessments of this variant are not available in the literature. Y35C has not been observed in referenced population frequency databases. In summary, there is insufficient evidence to classify NM_000092.4(COL4A4):c.104A>G(Y35C) as pathogenic or benign. Please note: this variant was assessed in the context of healthy population screening.

Fulgent Genetics
Classification: Uncertain significance for Hematuria, benign familial, 1; Autosomal recessive Alport syndrome. Last evaluated: 2024-01-08. Review status: criteria provided, single submitter. Criteria: ACMG Guidelines, 2015. Collection method: clinical testing. Allele origin: germline.

Pittsburgh Clinical Genomics Laboratory, University of Pittsburgh Medical Center
Classification: Uncertain significance for Hematuria, benign familial, 1. Last evaluated: 2023-04-21. Review status: criteria provided, single submitter. Criteria: ACMG Guidelines, 2015. Collection method: clinical testing. Allele origin: germline. Inheritance: Autosomal unknown. Affected: yes.
Comment: This sequence variant is a single nucleotide substitution (A>G) at coding position 104 of the COL4A4 gene that results in a tyrosine to cysteine amino acid change at residue 35 of the COL4A4 protein. This variant has not been previously reported (ClinVar) in databases of clinically relevant variants, but has been observed in the literature in a family with microhematuria and proteinuria (PMID: 16338941). This variant is absent from the gnomAD population database (0 of ~250,000 alleles). Bioinformatic tools produce mixed predictions as to whether this variant would be tolerated or damaging and the Tyr35 residue is poorly conserved across the mammalian species examined. Functiol studies testing the effect of this variant on protein activity have not been performed, to our knowledge. At this time, there is insufficient evidence to determine if this variant is pathogenic or benign. Therefore, we consider this to be a variant of uncertain significance. ACMG Criteria: PM2, PP1

Literature cited by the submitters: PubMed 16338941 (cited by Myriad Genetics, Inc. and Pittsburgh Clinical Genomics Laboratory, University of Pittsburgh Medical Center).

NM_000092.5(COL4A4):c.104A>G (p.Tyr35Cys)

Gene: COL4A4 (collagen type IV alpha 4 chain; minus strand). Cytogenetic location: 2q36.3.
Variant type: single nucleotide variant.
Coding change: c.104A>G on transcript NM_000092.5 (MANE Select); coding-DNA position 104, A replaced by G.
Protein change: p.Tyr35Cys; replaces tyrosine 35 with cysteine.
Molecular consequence: missense variant.
Genome position (GRCh38, 1-based): chr2:227,144,526, T>C on the plus strand (A>G on the coding strand, the complement: COL4A4 is on the minus strand). VCF-style: chr2-227144526-T-C. GRCh37 (hg19) VCF-style: chr2-228009242-T-C.
Other names: short protein forms Y35C.
Identifiers: ClinVar variation 3376248 (VCV003376248.3).